The following is an entry in ClinVar:

NM_139057.4(ADAMTS17):c.808C>A (p.His270Asn)

Gene: ADAMTS17 (ADAM metallopeptidase with thrombospondin type 1 motif 17; minus strand). Cytogenetic location: 15q26.3.
Variant type: single nucleotide variant.
Coding change: c.808C>A on transcript NM_139057.4 (MANE Select); coding-DNA position 808, C replaced by A.
Protein change: p.His270Asn; replaces histidine 270 with asparagine.
Molecular consequence: missense variant.
Genome position (GRCh38, 1-based): chr15:100,262,417, G>T on the plus strand (C>A on the coding strand, the complement: ADAMTS17 is on the minus strand). VCF-style: chr15-100262417-G-T. GRCh37 (hg19) VCF-style: chr15-100802622-G-T.
Other names: short protein forms H270N.
Identifiers: ClinVar variation 1365595 (VCV001365595.6), dbSNP rs749752628, ClinGen allele CA7758539.

ClinVar aggregate classification (germline): Uncertain significance (1 of 4 stars; one submission).

Allele frequency attached by ClinVar (database versions not stated): gnomAD 0.00001; gnomAD exomes 0.00001; TOPMed 0.00001; ExAC 0.00002.
gnomAD v4.1: 15 of 1,613,586 alleles (0.00093%); highest among the groups gnomAD compares: Admixed American, 0.0033%; no homozygotes.

Submission:

Labcorp Genetics (formerly Invitae), Labcorp
Classification: Uncertain significance. Last evaluated: 2024-02-24. Review status: criteria provided, single submitter. Criteria: Invitae Variant Classification Sherloc (09022015). Collection method: clinical testing. Allele origin: germline.
Comment: This sequence change replaces histidine with asparagine at codon 270 of the ADAMTS17 protein (p.His270Asn). The histidine residue is moderately conserved and there is a small physicochemical difference between histidine and asparagine. This variant is present in population databases (rs749752628, gnomAD 0.003%). This variant has not been reported in the literature in individuals affected with ADAMTS17-related conditions. ClinVar contains an entry for this variant (Variation ID: 1365595). An algorithm developed to predict the effect of missense changes on protein structure and function (PolyPhen-2) suggests that this variant is likely to be disruptive. In summary, the available evidence is currently insufficient to determine the role of this variant in disease. Therefore, it has been classified as a Variant of Uncertain Significance.